The following is an entry in ClinVar:

NM_001267550.2(TTN):c.51436C>T (p.Gln17146Ter)

Genes: TTN (titin; minus strand), TTN-AS1 (TTN antisense RNA 1; plus strand). Cytogenetic location: 2q31.2.
Variant type: single nucleotide variant.
Coding change: c.51436C>T on transcript NM_001267550.2 (MANE Select); coding-DNA position 51436, C replaced by T.
Protein change: p.Gln17146Ter; replaces glutamine 17146 with a stop codon.
Molecular consequence: nonsense.
Genome position (GRCh38, 1-based): chr2:178,610,090, G>A on the plus strand (C>T on the coding strand, the complement: TTN is on the minus strand). VCF-style: chr2-178610090-G-A. GRCh37 (hg19) VCF-style: chr2-179474817-G-A.
Other names: c.46513C>T, p.Gln15505Ter (NM_001256850.1); c.24241C>T, p.Gln8081Ter (NM_003319.4); c.43732C>T, p.Gln14578Ter (NM_133378.4); c.24616C>T, p.Gln8206Ter (NM_133432.3); c.24817C>T, p.Gln8273Ter (NM_133437.4); c.51436C>T (NM_001267550.1); short protein forms Q14578*, Q8206*, Q8273*, Q17146*, Q15505*, Q8081*.
Identifiers: ClinVar variation 691694 (VCV000691694.16), dbSNP rs906494713, ClinGen allele CA60984033.

ClinVar aggregate classification (germline): Pathogenic/Likely pathogenic. Review status: criteria provided, multiple submitters, no conflicts (2 of 4 stars). 5 submissions from 5 submitters: Pathogenic (3); Likely pathogenic (2). Last evaluated 2026-01-21.

Conditions:
Primary familial dilated cardiomyopathy (FDC). Also called: Hypokinetic dilated cardiomyopathy, familial; Familial dilated cardiomyopathy. Identifiers: Orphanet 217607, MedGen C0340427, MONDO:0016333.
Primary dilated cardiomyopathy (DCM). Also called: Dilated Cardiomyopathy. Identifiers: Orphanet 217604, MedGen C0007193, MeSH D002311, MONDO:0005021, HP:0001644. Inheritance: Various modes of inheritance.
Cardiovascular phenotype. Identifiers: MedGen CN230736.
Dilated cardiomyopathy 1G (CMD1G). Identifiers: Orphanet 154, MedGen C1858763, MONDO:0011400, OMIM 604145.
Autosomal recessive limb-girdle muscular dystrophy type 2J (LGMDR10). Also called: MUSCULAR DYSTROPHY, LIMB-GIRDLE, AUTOSOMAL RECESSIVE 10; Limb-girdle muscular dystrophy, type 2J. Identifiers: Orphanet 140922, MedGen C1837342, MONDO:0012127, OMIM 608807.

Allele frequency attached by ClinVar (database versions not stated): gnomAD exomes below 0.00001; TOPMed 0.00001.
gnomAD v4.1: 3 of 1,612,610 alleles (0.00019%); highest among the groups gnomAD compares: South Asian, 0.0011%; no homozygotes.

Submissions (5):

Ambry Genetics
Classification: Likely pathogenic for Cardiovascular phenotype. Last evaluated: 2026-01-21. Review status: criteria provided, single submitter. Criteria: Ambry Variant Classification Scheme 2023. Collection method: clinical testing. Allele origin: germline.
Comment: The p.Q8081* variant (also known as c.24241C>T), located in coding exon 98 of the TTN gene, results from a C to T substitution at nucleotide position 24241. This changes the amino acid from a glutamine to a stop codon within coding exon 98. This exon is located in the A-band region of the N2-B isoform of the titin protein and is constitutively expressed in TTN transcripts (percent spliced in or PSI 100%). This variant was reported in individual(s) with features consistent with dilated cardiomyopathy (DCM) (Walsh R et al. Genet. Med., 2017 02;19:192-203). Note, this variant is also referred to as p.Q17146X (c.51436C>T) in the literature. This variant is considered to be rare based on population cohorts in the Genome Aggregation Database (gnomAD). This variant is expected to result in loss of function by premature protein truncation or nonsense-mediated mRNA decay. While truncating variants in TTN are present in 1-3% of the general population, truncating variants in the A-band are the most common cause of dilated cardiomyopathy (Herman DS et al. N. Engl. J. Med., 2012 Feb;366:619-28; Roberts AM et al. Sci Transl Med, 2015 Jan;7:270ra6). TTN truncating variants encoded in constitutive exons (PSI >90%) have been found to be significantly associated with DCM regardless of their position in titin (Schafer S et al. Nat. Genet., 2017 01;49:46-53; Akhtar MM et al. Circ Heart Fail, 2020 Oct;13:e006832; Massier M et al. Clin Genet, 2025 Jan). As such, this alteration is classified as likely pathogenic.

Labcorp Genetics (formerly Invitae), Labcorp
Classification: Pathogenic for Dilated cardiomyopathy 1G; Autosomal recessive limb-girdle muscular dystrophy type 2J. Last evaluated: 2025-11-17. Review status: criteria provided, single submitter. Criteria: Invitae Variant Classification Sherloc (09022015). Collection method: clinical testing. Allele origin: germline.
Comment: This sequence change creates a premature translational stop signal (p.Gln17146*) in the TTN gene. While this is not anticipated to result in nonsense mediated decay, it is expected to create a truncated TTN protein. This variant is not present in population databases (gnomAD no frequency). This premature translational stop signal has been observed in individuals with dilated cardiomyopathy (PMID: 27532257; internal data). ClinVar contains an entry for this variant (Variation ID: 691694). This variant is located in the A band of TTN (PMID: 25589632). Truncating variants in this region are significantly overrepresented in patients affected with dilated cardiomyopathy (PMID: 25589632). Truncating variants in this region have also been reported in individuals affected with autosomal recessive centronuclear myopathy (PMID: 23975875). For these reasons, this variant has been classified as Pathogenic.

GeneDx
Classification: Pathogenic. Last evaluated: 2025-05-10. Review status: criteria provided, single submitter. Criteria: GeneDx Variant Classification Process June 2021. Collection method: clinical testing. Allele origin: germline. Affected: yes.
Comment: Nonsense variant predicted to result in protein truncation or nonsense mediated decay in a gene for which loss of function is a known mechanism of disease; Not observed at significant frequency in large population cohorts (gnomAD); Located in the A-band, a region of TTN for which truncating variants are significantly associated with autosomal dominant cardiomyopathy and also with autosomal recessive skeletal myopathies (PMID: 22335739, 32778822); This variant is associated with the following publications: (PMID: 27532257, 36264615, 37652022, 30535219, 31691645, 22335739, 32778822)

Women's Health and Genetics/Laboratory Corporation of America, LabCorp
Classification: Likely pathogenic for Primary familial dilated cardiomyopathy. Last evaluated: 2021-03-11. Review status: criteria provided, single submitter. Criteria: LabCorp Variant Classification Summary - May 2015. Collection method: clinical testing. Allele origin: germline.
Comment: Variant summary: TTN c.43732C>T (p.Gln14578X) results in a premature termination codon, predicted to cause a truncation of the encoded protein or absence of the protein due to nonsense mediated decay, which are commonly known mechanisms for disease. Truncations downstream of this position have been classified as pathogenic by our laboratory. 4/4 computational tools predict no significant impact on normal splicing. However, these predictions have yet to be confirmed by functional studies. The variant allele was found at a frequency of 3.9e-06 in 256094 control chromosomes (gnomAD and publication data). c.43732C>T has been reported in the literature in one individual affected with Dilated Cardiomyopathy (Walsh_2017). These data indicate that the variant is very likely to be associated with disease. To our knowledge, no experimental evidence demonstrating an impact on protein function has been reported. Two ClinVar submitters (evaluation after 2014) cite the variant as pathogenic and likely pathogenic. Based on the evidence outlined above, the variant was classified as likely pathogenic.

Center for Advanced Laboratory Medicine, UC San Diego Health, University of California San Diego
Classification: Pathogenic for Dilated cardiomyopathy. Last evaluated: 2018-01-05. Review status: criteria provided, single submitter. Criteria: ACMG Guidelines, 2015. Collection method: clinical testing. Allele origin: germline. Affected: yes. Observed: 1 variant allele.

Literature cited by the submitters: PubMed 27532257 (cited by 3 submitters); PubMed 30535219 (cited by Ambry Genetics and Women's Health and Genetics/Laboratory Corporation of America, LabCorp); PubMed 25589632 (cited by Labcorp Genetics (formerly Invitae), Labcorp); PubMed 23975875 (cited by Labcorp Genetics (formerly Invitae), Labcorp).